The following is an entry in ClinVar:

NM_000944.5(PPP3CA):c.1283dup (p.Thr429fs)

Gene: PPP3CA (protein phosphatase 3 catalytic subunit alpha; minus strand). Cytogenetic location: 4q24.
Variant type: Duplication.
Coding change: c.1283dup on transcript NM_000944.5 (MANE Select); coding-DNA position 1283, one base duplicated (C; older notation c.1283dupC).
Protein change: p.Thr429fs; shifts the reading frame from threonine 429.
Molecular consequence: frameshift variant.
Genome position (GRCh38, 1-based): chr4:101,032,323, G duplicated on the plus strand (C on the coding strand, the reverse complement: PPP3CA is on the minus strand); the first of 4 consecutive G bases (chr4:101,032,323-101,032,326); duplicating any one gives the same sequence. VCF-style (leftmost placement, unchanged base first): chr4-101032322-T-TG. GRCh37 (hg19) VCF-style: chr4-101953479-T-TG.
Other names: c.1283dup, p.Thr429fs (NM_001130691.2); c.1157dup, p.Thr387fs (NM_001130692.2); c.1283_1284insC (NM_000944.5); short protein forms T387fs, T429fs.
Identifiers: ClinVar variation 931475 (VCV000931475.38), dbSNP rs1727004803, ClinGen allele CA1139658579.

ClinVar aggregate classification (germline): Pathogenic/Likely pathogenic. Review status: criteria provided, multiple submitters, no conflicts (2 of 4 stars). 5 submissions from 5 submitters: Pathogenic (4); Likely pathogenic (1). Last evaluated 2025-12-03.

Conditions:
Developmental and epileptic encephalopathy 91. Also called: EPILEPTIC ENCEPHALOPATHY, INFANTILE OR EARLY CHILDHOOD, 1. Identifiers: MedGen C4540199, MONDO:0020630, OMIM 617711.

Submissions (5):

Labcorp Genetics (formerly Invitae), Labcorp
Classification: Pathogenic. Last evaluated: 2025-12-03. Review status: criteria provided, single submitter. Criteria: Invitae Variant Classification Sherloc (09022015). Collection method: clinical testing. Allele origin: germline.
Comment: This sequence change creates a premature translational stop signal (p.Thr429Asnfs*22) in the PPP3CA gene. While this is not anticipated to result in nonsense mediated decay, it is expected to disrupt the last 93 amino acid(s) of the PPP3CA protein. This variant is not present in population databases (gnomAD no frequency). This premature translational stop signal has been observed in individual(s) with PPP3CA-related conditions (PMID: 30904718, 32593294). ClinVar contains an entry for this variant (Variation ID: 931475). This variant disrupts a region of the PPP3CA protein in which other variant(s) (p.Ala473Thr) have been determined to be pathogenic (PMID: 29432562; internal data). This suggests that this is a clinically significant region of the protein, and that variants that disrupt it are likely to be disease-causing. For these reasons, this variant has been classified as Pathogenic.

Pediatric Department, Peking University First Hospital
Classification: Pathogenic for Developmental and epileptic encephalopathy 91. Last evaluated: 2025-05-24. Review status: criteria provided, single submitter. Criteria: ACMG Guidelines, 2015. Collection method: research. Allele origin: de novo. Affected: yes.
Comment: Pathogenic(PVS1, PS2, PM2)

3billion
Classification: Pathogenic for Developmental and epileptic encephalopathy 91. Last evaluated: 2024-02-01. Review status: criteria provided, single submitter. Criteria: ACMG Guidelines, 2015. Collection method: clinical testing. Allele origin: germline. Affected: yes.
Comment: The variant is not observed in the gnomAD v2.1.1 dataset. Predicted Consequence/Location: Frameshift: predicted to result in a loss or disruption of normal protein function through nonsense-mediated decay (NMD) or protein truncation. Multiple pathogenic variants are reported downstream of the variant. The variant has been previously reported as de novo in a similarly affected individual (PMID: 30904718). The variant has been reported at least twice as pathogenic without evidence for the classification (ClinVar ID: VCV000931475 /PMID: 30904718 /3billion dataset). Therefore, this variant is classified as Pathogenic according to the recommendation of ACMG/AMP guideline.

CeGaT Center for Human Genetics Tuebingen
Classification: Pathogenic. Last evaluated: 2022-11-01. Review status: criteria provided, single submitter. Criteria: CeGaT Center For Human Genetics Tuebingen Variant Classification Criteria Version 2. Collection method: clinical testing. Allele origin: germline. Affected: yes. Observed: 1 variant allele.
Comment: PPP3CA: PVS1, PS2, PM2

Centre for Mendelian Genomics, University Medical Centre Ljubljana
Classification: Likely pathogenic for Developmental and epileptic encephalopathy 91. Last evaluated: 2019-04-03. Review status: criteria provided, single submitter. Criteria: ACMG Guidelines, 2015. Collection method: clinical testing. Allele origin: unknown. Affected: yes.
Comment: This variant was classified as: Likely pathogenic. The following ACMG criteria were applied in classifying this variant: PVS1,PM2.

Literature cited by the submitters: PubMed 30904718 (cited by Labcorp Genetics (formerly Invitae), Labcorp and 3billion); PubMed 32593294 (cited by Labcorp Genetics (formerly Invitae), Labcorp); PubMed 29432562 (cited by Labcorp Genetics (formerly Invitae), Labcorp).